The following is an entry in ClinVar:

NM_001276270.2(MBD4):c.549G>A (p.Lys183=)

Gene: MBD4 (methyl-CpG binding domain 4, DNA glycosylase; minus strand). Cytogenetic location: 3q21.3.
Variant type: single nucleotide variant.
Coding change: c.549G>A on transcript NM_001276270.2 (MANE Select); coding-DNA position 549, G replaced by A.
Protein change: p.Lys183=; no amino-acid change (lysine 183 retained).
Molecular consequence: synonymous variant. On other transcripts: intron variant (1).
Genome position (GRCh38, 1-based): chr3:129,437,095, C>T on the plus strand (G>A on the coding strand, the complement: MBD4 is on the minus strand). VCF-style: chr3-129437095-C-T. GRCh37 (hg19) VCF-style: chr3-129155938-C-T.
Other names: c.549G>A, p.Lys183= (NM_001276271.2, NM_001276272.2, NM_003925.3); c.247+713G>A (NM_001276273.2).
Identifiers: ClinVar variation 2970971 (VCV002970971.5), dbSNP rs779323026, ClinGen allele CA2605512.

ClinVar aggregate classification (germline): Benign/Likely benign. Review status: criteria provided, multiple submitters, no conflicts (2 of 4 stars). 3 submissions from 3 submitters: Benign (1); Likely benign (2). Last evaluated 2026-06-11.

Conditions:
Tumor predisposition syndrome 2 (TPDS2). Also called: MBD4-ASSOCIATED NEOPLASIA SYNDROME; MBD4-Related Tumor Predisposition Syndrome; MBD4-associated neoplasia syndrome (MANS). Identifiers: Orphanet 661526, MedGen C5774186, MONDO:0859267, OMIM 619975.
Inborn genetic diseases. Identifiers: MedGen C0950123, MeSH D030342.

Allele frequency attached by ClinVar (database versions not stated): TOPMed below 0.00001; ExAC 0.00001; gnomAD 0.00001.
gnomAD v4.1: 8 of 1,613,796 alleles (0.0005%); highest among the groups gnomAD compares: Non-Finnish European, 0.00068%; no homozygotes.

Submissions (3):

Myriad Genetics, Inc.
Classification: Benign for Tumor predisposition syndrome 2. Last evaluated: 2026-06-11. Review status: criteria provided, single submitter. Criteria: Myriad Autosomal Dominant, Autosomal Recessive and X-Linked Classification Criteria (2023). Collection method: clinical testing. Allele origin: unknown.
Comment: This variant is considered benign. This variant is a silent/synonymous amino acid change and it is not expected to impact splicing.

Labcorp Genetics (formerly Invitae), Labcorp
Classification: Likely benign. Last evaluated: 2026-01-10. Review status: criteria provided, single submitter. Criteria: Invitae Variant Classification Sherloc (09022015). Collection method: clinical testing. Allele origin: germline.

Ambry Genetics
Classification: Likely benign for Inborn genetic diseases. Last evaluated: 2024-11-18. Review status: criteria provided, single submitter. Criteria: Ambry Variant Classification Scheme 2023. Collection method: clinical testing. Allele origin: germline.